The following is an entry in ClinVar:

ClinVar aggregate classification (germline): Likely benign (1 of 4 stars; one submission).

Allele frequency attached by ClinVar (database versions not stated): gnomAD 0.00001; gnomAD exomes 0.00001; ExAC 0.00002; TOPMed 0.00002.
gnomAD v4.1: 9 of 1,608,516 alleles (0.00056%); highest among the groups gnomAD compares: Admixed American, 0.0017%; no homozygotes.

Submission:

CeGaT Center for Human Genetics Tuebingen
Classification: Likely benign. Last evaluated: 2023-01-01. Review status: criteria provided, single submitter. Criteria: CeGaT Center For Human Genetics Tuebingen Variant Classification Criteria Version 2. Collection method: clinical testing. Allele origin: germline. Affected: yes. Observed: 1 variant allele.
Comment: TMPRSS9: BP4, BP7

NM_001395513.1(TMPRSS9):c.1758G>A (p.Glu586=)

Gene: TMPRSS9 (transmembrane serine protease 9; plus strand). Cytogenetic location: 19p13.3.
Variant type: single nucleotide variant.
Coding change: c.1758G>A on transcript NM_001395513.1 (MANE Select); coding-DNA position 1758, G replaced by A.
Protein change: p.Glu586=; no amino-acid change (glutamic acid 586 retained).
Molecular consequence: synonymous variant.
Genome position (GRCh38, 1-based): chr19:2,416,550, G>A. VCF-style: chr19-2416550-G-A. GRCh37 (hg19) VCF-style: chr19-2416548-G-A.
Other names: c.1062G>A, p.Glu354= (NM_001385642.1); c.1656G>A, p.Glu552= (NM_182973.3).
Identifiers: ClinVar variation 2648973 (VCV002648973.24), dbSNP rs765304695, ClinGen allele CA9066450.